The following is an entry in ClinVar:

NC_000008.11:g.(?_64624393)_(64624549_?)del

Gene: CYP7B1 (cytochrome P450 family 7 subfamily B member 1; minus strand). Cytogenetic location: 8q12.3.
Variant type: Deletion.
Identifiers: ClinVar variation 830649 (VCV000830649.6).

ClinVar aggregate classification (germline): Pathogenic (1 of 4 stars; one submission).

Conditions:
Spastic paraplegia. Identifiers: MedGen C0037772, HP:0001258.

Submission:

Labcorp Genetics (formerly Invitae), Labcorp
Classification: Pathogenic for Spastic paraplegia. Last evaluated: 2021-08-12. Review status: criteria provided, single submitter. Criteria: Invitae Variant Classification Sherloc (09022015). Collection method: clinical testing. Allele origin: germline.
Comment: This variant is a gross deletion of the genomic region encompassing exon(s) 2 of the CYP7B1 gene. This deletion is out-of-frame, and is expected to create a premature termination codon and result in an absent or disrupted protein product. Loss-of-function variants in CYP7B1 are known to be pathogenic (PMID: 9802883, 19363635, 19439420, 21541746, 21567895, 28039895). A similar copy number variant has been observed in individual(s) with spastic paraplegia (Invitae). For these reasons, this variant has been classified as Pathogenic.

Literature cited by the submitters: PubMed 9802883; PubMed 19363635; PubMed 19439420; PubMed 21541746; PubMed 21567895; PubMed 28039895.